The following is an entry in ClinVar:

ClinVar aggregate classification (germline): Uncertain significance (1 of 4 stars; one submission).

Allele frequency attached by ClinVar (database versions not stated): gnomAD 0.00001; TOPMed 0.00001; gnomAD exomes 0.00002.
gnomAD v4.1: 32 of 1,548,254 alleles (0.0021%); highest among the groups gnomAD compares: Non-Finnish European, 0.0027%; no homozygotes.

Submission:

Labcorp Genetics (formerly Invitae), Labcorp
Classification: Uncertain significance. Last evaluated: 2022-02-25. Review status: criteria provided, single submitter. Criteria: Invitae Variant Classification Sherloc (09022015). Collection method: clinical testing. Allele origin: germline.
Comment: In summary, the available evidence is currently insufficient to determine the role of this variant in disease. Therefore, it has been classified as a Variant of Uncertain Significance. Algorithms developed to predict the effect of missense changes on protein structure and function output the following: SIFT: "Tolerated"; PolyPhen-2: "Benign"; Align-GVGD: "Class C0". The methionine amino acid residue is found in multiple mammalian species, which suggests that this missense change does not adversely affect protein function. This variant has not been reported in the literature in individuals affected with ADAMTS10-related conditions. The frequency data for this variant in the population databases is considered unreliable, as metrics indicate poor data quality at this position in the gnomAD database. This sequence change replaces threonine, which is neutral and polar, with methionine, which is neutral and non-polar, at codon 1050 of the ADAMTS10 protein (p.Thr1050Met).

NM_030957.4(ADAMTS10):c.3149C>T (p.Thr1050Met)

Gene: ADAMTS10 (ADAM metallopeptidase with thrombospondin type 1 motif 10; minus strand). Cytogenetic location: 19p13.2.
Variant type: single nucleotide variant.
Coding change: c.3149C>T on transcript NM_030957.4 (MANE Select); coding-DNA position 3149, C replaced by T.
Protein change: p.Thr1050Met; replaces threonine 1050 with methionine.
Molecular consequence: missense variant.
Genome position (GRCh38, 1-based): chr19:8,584,948, G>A on the plus strand (C>T on the coding strand, the complement: ADAMTS10 is on the minus strand). VCF-style: chr19-8584948-G-A. GRCh37 (hg19) VCF-style: chr19-8649832-G-A.
Other names: c.1610C>T, p.Thr537Met (NM_001282352.2); short protein forms T1050M, T537M.
Identifiers: ClinVar variation 2045738 (VCV002045738.2), dbSNP rs916677846, ClinGen allele CA304997182.
Genomic context (GRCh38, chr19:8,584,948, plus strand): 5'-CACATACCTTCAGGGCCGTCCCCGGGGGTTGGGCTGTCGCACTTGGCCTCACACTGCTGC[G>A]TGGTGGGCGGCCGCAGGGCCTCCGTGCACTCGTGCGACGCCTGGCCCGTGTGGCTGGTGC-3'
Protein context (NP_112219.3, residues 1040-1060): ECTEALRPPT[Thr1050Met]QQCEAKCDSP